The following is an entry in ClinVar:

NM_000540.3(RYR1):c.3888C>T (p.Phe1296=)

Gene: RYR1 (ryanodine receptor 1; plus strand). Cytogenetic location: 19q13.2.
Variant type: single nucleotide variant.
Coding change: c.3888C>T on transcript NM_000540.3 (MANE Select); coding-DNA position 3888, C replaced by T.
Protein change: p.Phe1296=; no amino-acid change (phenylalanine 1296 retained).
Molecular consequence: synonymous variant.
Genome position (GRCh38, 1-based): chr19:38,473,499, C>T. VCF-style: chr19-38473499-C-T. GRCh37 (hg19) VCF-style: chr19-38964139-C-T.
Other names: c.3888C>T, p.Phe1296= (NM_001042723.2).
Identifiers: ClinVar variation 2891068 (VCV002891068.3), dbSNP rs1968541455, ClinGen allele CA507235653.

ClinVar aggregate classification (germline): Uncertain significance (1 of 4 stars; one submission).

Conditions:
RYR1-related disorder. Also called: RYR1-related condition; RYR1-related disorders. Identifiers: MedGen CN239331.

Allele frequency attached by ClinVar (database versions not stated): gnomAD exomes below 0.00001; TOPMed below 0.00001.
gnomAD v4.1: 1 of 1,613,712 alleles (0.000062%); highest among the groups gnomAD compares: Non-Finnish European, 0.000085%; no homozygotes.

Submission:

Labcorp Genetics (formerly Invitae), Labcorp
Classification: Uncertain significance for RYR1-related disorder. Last evaluated: 2023-06-05. Review status: criteria provided, single submitter. Criteria: Invitae Variant Classification Sherloc (09022015). Collection method: clinical testing. Allele origin: germline.
Comment: In summary, the available evidence is currently insufficient to determine the role of this variant in disease. Therefore, it has been classified as a Variant of Uncertain Significance. Algorithms developed to predict the effect of sequence changes on RNA splicing suggest that this variant may create or strengthen a splice site. This variant has not been reported in the literature in individuals affected with RYR1-related conditions. This variant is not present in population databases (gnomAD no frequency). This sequence change affects codon 1296 of the RYR1 mRNA. It is a 'silent' change, meaning that it does not change the encoded amino acid sequence of the RYR1 protein.